The following is an entry in ClinVar:

NM_001672.3(ASIP):c.102G>A (p.Arg34=)

Genes: AHCY (adenosylhomocysteinase; minus strand), ASIP (agouti signaling protein; plus strand). Cytogenetic location: 20q11.22.
Variant type: single nucleotide variant.
Coding change: c.102G>A on transcript NM_001672.3 (MANE Select); coding-DNA position 102, G replaced by A.
Protein change: p.Arg34=; no amino-acid change (arginine 34 retained).
Molecular consequence: synonymous variant.
Genome position (GRCh38, 1-based): chr20:34,260,476, G>A. VCF-style: chr20-34260476-G-A. GRCh37 (hg19) VCF-style: chr20-32848282-G-A.
Other names: c.102G>A, p.Arg34= (NM_001385218.1).
Identifiers: ClinVar variation 4984611 (VCV004984611.1).

ClinVar aggregate classification (germline): Likely benign (1 of 4 stars; one submission).

Conditions:
ASIP-related condition.

gnomAD v4.1: 7 of 1,614,084 alleles (0.00043%); highest among the groups gnomAD compares: Middle Eastern, 0.017%; no homozygotes.

Submission:

PreventionGenetics, part of Exact Sciences
Classification: Likely benign for ASIP-related condition. Last evaluated: 2025-03-26. Review status: criteria provided, single submitter. Criteria: ACMG Guidelines, 2015. Collection method: clinical testing. Allele origin: germline.
Comment: This variant is classified as likely benign based on ACMG/AMP sequence variant interpretation guidelines (Richards et al. 2015 PMID: 25741868, with internal and published modifications).